The following is an entry in ClinVar:

ClinVar aggregate classification (germline): Uncertain significance (1 of 4 stars; one submission).

Conditions:
Cardiovascular phenotype. Identifiers: MedGen CN230736.

Allele frequency attached by ClinVar (database versions not stated): gnomAD exomes 0.00001.
gnomAD v4.1: 6 of 1,309,534 alleles (0.00046%); highest among the groups gnomAD compares: Middle Eastern, 0.029%; no homozygotes.

Submission:

Ambry Genetics
Classification: Uncertain significance for Cardiovascular phenotype. Last evaluated: 2023-07-05. Review status: criteria provided, single submitter. Criteria: Ambry Variant Classification Scheme 2023. Collection method: clinical testing. Allele origin: germline.
Comment: The p.S138P variant (also known as c.412T>C), located in coding exon 1 of the HCN4 gene, results from a T to C substitution at nucleotide position 412. The serine at codon 138 is replaced by proline, an amino acid with similar properties. This amino acid position is conserved. In addition, the in silico prediction for this alteration is inconclusive. Since supporting evidence is limited at this time, the clinical significance of this alteration remains unclear.

NM_005477.3(HCN4):c.412T>C (p.Ser138Pro)

Gene: HCN4 (hyperpolarization activated cyclic nucleotide gated potassium channel 4; minus strand). Cytogenetic location: 15q24.1.
Variant type: single nucleotide variant.
Coding change: c.412T>C on transcript NM_005477.3 (MANE Select); coding-DNA position 412, T replaced by C.
Protein change: p.Ser138Pro; replaces serine 138 with proline.
Molecular consequence: missense variant.
Genome position (GRCh38, 1-based): chr15:73,367,859, A>G on the plus strand (T>C on the coding strand, the complement: HCN4 is on the minus strand). VCF-style: chr15-73367859-A-G. GRCh37 (hg19) VCF-style: chr15-73660200-A-G.
Other names: short protein forms S138P.
Identifiers: ClinVar variation 2209098 (VCV002209098.2), dbSNP rs2549080389, ClinGen allele CA393098100.